The following is an entry in ClinVar:

NM_004667.6(HERC2):c.11238C>T (p.Asn3746=)

Gene: HERC2 (HECT and RLD domain containing E3 ubiquitin protein ligase 2; minus strand). Cytogenetic location: 15q13.1.
Variant type: single nucleotide variant.
Coding change: c.11238C>T on transcript NM_004667.6 (MANE Select); coding-DNA position 11238, C replaced by T.
Protein change: p.Asn3746=; no amino-acid change (asparagine 3746 retained).
Molecular consequence: synonymous variant.
Genome position (GRCh38, 1-based): chr15:28,144,138, G>A on the plus strand (C>T on the coding strand, the complement: HERC2 is on the minus strand). VCF-style: chr15-28144138-G-A. GRCh37 (hg19) VCF-style: chr15-28389284-G-A.
Other names: c.11238C>T (NM_004667.5).
Identifiers: ClinVar variation 2645041 (VCV002645041.25), dbSNP rs114532098, ClinGen allele CA7440612.

ClinVar aggregate classification (germline): Likely benign. Review status: criteria provided, multiple submitters, no conflicts (2 of 4 stars). 3 submissions from 3 submitters: Likely benign (2). 1 of the submissions does not count toward it. Last evaluated 2026-03-01.

Conditions:
HERC2-related disorder. Also called: HERC2-related condition.

Allele frequency attached by ClinVar (database versions not stated): ExAC 0.00071; ESP Exome Variant Server 0.00208; gnomAD 0.00232; TOPMed 0.00251; 1000 Genomes Project 30x 0.00297; 1000 Genomes Project 0.00300.
gnomAD v4.1: 651 of 1,614,212 alleles (0.04%); highest among the groups gnomAD compares: African/African-American, 0.76%; 1 homozygote.

Submissions (3):

CeGaT Center for Human Genetics Tuebingen
Classification: Likely benign. Last evaluated: 2026-03-01. Review status: criteria provided, single submitter. Criteria: CeGaT Center For Human Genetics Tuebingen Variant Classification Criteria Version 2. Collection method: clinical testing. Allele origin: germline. Affected: yes. Observed: 3 variant alleles.
Comment: HERC2: BP4, BP7

Blueprint Genetics
Classification: Likely benign. Last evaluated: 2023-12-14. Review status: criteria provided, single submitter. Criteria: ACMG Guidelines, 2015. Collection method: clinical testing. Allele origin: germline.

PreventionGenetics, part of Exact Sciences
Classification: Benign for HERC2-related condition. Last evaluated: 2024-08-22. Review status: no assertion criteria provided. Collection method: clinical testing. Allele origin: germline. Not counted in ClinVar's aggregate classification.
Comment: This variant is classified as benign based on ACMG/AMP sequence variant interpretation guidelines (Richards et al. 2015 PMID: 25741868, with internal and published modifications).